The following is an entry in ClinVar:

NM_001040108.2(MLH3):c.554T>A (p.Ile185Asn)

Gene: MLH3 (mutL homolog 3; minus strand). Cytogenetic location: 14q24.3.
Variant type: single nucleotide variant.
Coding change: c.554T>A on transcript NM_001040108.2 (MANE Select); coding-DNA position 554, T replaced by A.
Protein change: p.Ile185Asn; replaces isoleucine 185 with asparagine.
Molecular consequence: missense variant.
Genome position (GRCh38, 1-based): chr14:75,049,102, A>T on the plus strand (T>A on the coding strand, the complement: MLH3 is on the minus strand). VCF-style: chr14-75049102-A-T. GRCh37 (hg19) VCF-style: chr14-75515805-A-T.
Other names: c.554T>A, p.Ile185Asn (NM_014381.3); short protein forms I185N.
Identifiers: ClinVar variation 2448641 (VCV002448641.2), dbSNP rs2503324088, ClinGen allele CA390449905.

ClinVar aggregate classification (germline): Uncertain significance (1 of 4 stars; one submission).

Submission:

Ambry Genetics
Classification: Uncertain significance. Last evaluated: 2023-01-01. Review status: criteria provided, single submitter. Criteria: Ambry Variant Classification Scheme 2023. Collection method: clinical testing. Allele origin: germline.
Comment: The p.I185N variant (also known as c.554T>A), located in coding exon 1 of the MLH3 gene, results from a T to A substitution at nucleotide position 554. The isoleucine at codon 185 is replaced by asparagine, an amino acid with dissimilar properties. This amino acid position is conserved. In addition, the in silico prediction for this alteration is inconclusive. Since supporting evidence is limited at this time, the clinical significance of this alteration remains unclear.